The following is an entry in ClinVar:

NM_000360.4(TH):c.695+99G>A

Gene: TH (tyrosine hydroxylase; minus strand). Cytogenetic location: 11p15.5.
Variant type: single nucleotide variant.
Coding change: c.695+99G>A on transcript NM_000360.4 (MANE Select); 99 bases into the intron after coding-DNA position 695, G replaced by A.
Molecular consequence: intron variant.
Genome position (GRCh38, 1-based): chr11:2,167,336, C>T on the plus strand (G>A on the coding strand, the complement: TH is on the minus strand). VCF-style: chr11-2167336-C-T. GRCh37 (hg19) VCF-style: chr11-2188566-C-T.
Other names: c.776+99G>A (NM_199293.3); c.788+99G>A (NM_199292.3).
Identifiers: ClinVar variation 1180577 (VCV001180577.6), dbSNP rs7925924, ClinGen allele CA216285895.

ClinVar aggregate classification (germline): Benign. Review status: criteria provided, multiple submitters, no conflicts (2 of 4 stars). 4 submissions from 4 submitters: Benign (4). Last evaluated 2024-07-31.

Conditions:
TH-deficient dopa-responsive dystonia. Also called: DYT-TH; Tyrosine Hydroxylase-Deficient Dopa-Responsive Dystonia; Segawa syndrome, autosomal recessive. Identifiers: Orphanet 101150, MedGen C2673535, MONDO:0011551, OMIM 605407.

Allele frequency attached by ClinVar (database versions not stated): TOPMed 0.90786; 1000 Genomes Project 30x 0.91084; gnomAD 0.91244 and 0.91868; 1000 Genomes Project 0.91554; gnomAD exomes 0.99122.
gnomAD v4.1: 1,352,798 of 1,376,438 alleles (98%); highest among the groups gnomAD compares: East Asian, 100%; 667,505 homozygotes.

Submissions (4):

Unidad de Genómica Garrahan, Hospital de Pediatría Garrahan
Classification: Benign. Last evaluated: 2024-07-31. Review status: criteria provided, single submitter. Criteria: ACMG Guidelines, 2015. Collection method: clinical testing. Allele origin: germline. Affected: no. Observed: 92 variant alleles.
Comment: This variant is classified as Benign based on local population frequency. This variant was detected in 99% of patients studied in a panel designed for Epileptic and Developmental Encephalopathy, Progressive Myoclonus Epilepsy and Abnormal Movements and Neurodegeneration with brain iron accumulation. Number of patients: 92. Only high quality variants are reported.

Genome-Nilou Lab
Classification: Benign for TH-deficient dopa-responsive dystonia. Last evaluated: 2021-07-10. Review status: criteria provided, single submitter. Criteria: ACMG Guidelines, 2015. Collection method: clinical testing. Allele origin: germline. Affected: no.

GeneDx
Classification: Benign. Last evaluated: 2015-03-03. Review status: criteria provided, single submitter. Criteria: GeneDx Variant Classification Process June 2021. Collection method: clinical testing. Allele origin: germline. Affected: yes.

Breakthrough Genomics
Classification: Benign. Review status: criteria provided, single submitter. Criteria: ACMG Guidelines, 2015. Collection method: not provided. Allele origin: germline. Inheritance: Autosomal recessive inheritance. Affected: yes.